The following is an entry in ClinVar:

ClinVar aggregate classification (germline): Uncertain significance. Review status: criteria provided, multiple submitters, no conflicts (2 of 4 stars). 2 submissions from 2 submitters: Uncertain significance (2). Last evaluated 2024-12-31.

Conditions:
Short-rib thoracic dysplasia 7 with or without polydactyly (SRTD7). Also called: Short rib polydactyly syndrome 5; SHORT-RIB THORACIC DYSPLASIA 7 WITH POLYDACTYLY. Identifiers: Orphanet 498497, Orphanet 93271, MedGen C3279792, MONDO:0013569, OMIM 614091.
Cranioectodermal dysplasia 2 (CED2). Identifiers: Orphanet 1515, MedGen C3150874, MONDO:0013323, OMIM 613610.

gnomAD v4.1: 51 of 1,613,550 alleles (0.0032%); highest among the groups gnomAD compares: African/African-American, 0.0053%; no homozygotes.

Submissions (2):

GeneDx
Classification: Uncertain significance. Last evaluated: 2024-12-31. Review status: criteria provided, single submitter. Criteria: GeneDx Variant Classification Process June 2021. Collection method: clinical testing. Allele origin: germline. Affected: yes.
Comment: In silico analysis supports that this missense variant has a deleterious effect on protein structure/function; Has not been previously published as pathogenic or benign to our knowledge

Labcorp Genetics (formerly Invitae), Labcorp
Classification: Uncertain significance for Cranioectodermal dysplasia 2; Short-rib thoracic dysplasia 7 with or without polydactyly. Last evaluated: 2021-12-27. Review status: criteria provided, single submitter. Criteria: Invitae Variant Classification Sherloc (09022015). Collection method: clinical testing. Allele origin: germline.
Comment: This sequence change replaces arginine, which is basic and polar, with histidine, which is basic and polar, at codon 353 of the WDR35 protein (p.Arg353His). This variant is present in population databases (rs76623454, gnomAD 0.008%). This variant has not been reported in the literature in individuals affected with WDR35-related conditions. Algorithms developed to predict the effect of missense changes on protein structure and function are either unavailable or do not agree on the potential impact of this missense change (SIFT: "Tolerated"; PolyPhen-2: "Probably Damaging"; Align-GVGD: "Class C0"). In summary, the available evidence is currently insufficient to determine the role of this variant in disease. Therefore, it has been classified as a Variant of Uncertain Significance.

NM_020779.4(WDR35):c.1058G>A (p.Arg353His)

Gene: WDR35 (WD repeat domain 35; minus strand). Cytogenetic location: 2p24.1.
Variant type: single nucleotide variant.
Coding change: c.1058G>A on transcript NM_020779.4 (MANE Select); coding-DNA position 1058, G replaced by A.
Protein change: p.Arg353His; replaces arginine 353 with histidine.
Molecular consequence: missense variant.
Genome position (GRCh38, 1-based): chr2:19,966,860, C>T on the plus strand (G>A on the coding strand, the complement: WDR35 is on the minus strand). VCF-style: chr2-19966860-C-T. GRCh37 (hg19) VCF-style: chr2-20166621-C-T.
Other names: c.1058G>A, p.Arg353His (NM_001006657.2); c.1058G>A (NM_001006657.1); short protein forms R353H.
Identifiers: ClinVar variation 2198023 (VCV002198023.2), dbSNP rs76623454, ClinGen allele CA1543352.
Genomic context (GRCh38, chr2:19,966,860, plus strand): 5'-ACATATTTAACATATTTTTCATTGTTTTTCGTATCCCAGAAGACAACACAATATTCTGGA[C>T]GATCAGGTCTGGTATATGCATAAACTACAGTGTTTGAGCAATAACCCCACTAGGAAGAAA-3'
Protein context (NP_065830.2, residues 343-363): TVVYAYTRPD[Arg353His]PEYCVVFWDT